The following is an entry in ClinVar:

NM_020987.5(ANK3):c.11441C>A (p.Pro3814His)

Gene: ANK3 (ankyrin 3; minus strand). Cytogenetic location: 10q21.2.
Variant type: single nucleotide variant.
Coding change: c.11441C>A on transcript NM_020987.5 (MANE Select); coding-DNA position 11441, C replaced by A.
Protein change: p.Pro3814His; replaces proline 3814 with histidine.
Molecular consequence: missense variant. On other transcripts: intron variant (4).
Genome position (GRCh38, 1-based): chr10:60,069,440, G>T on the plus strand (C>A on the coding strand, the complement: ANK3 is on the minus strand). VCF-style: chr10-60069440-G-T. GRCh37 (hg19) VCF-style: chr10-61829198-G-T.
Other names: c.4409-1431C>A (NM_001204404.2); c.4406-1431C>A (NM_001320874.2); c.1808-1431C>A (NM_001149.4); c.4388-1431C>A (NM_001204403.2); short protein forms P3814H.
Identifiers: ClinVar variation 5020205 (VCV005020205.1).

ClinVar aggregate classification (germline): Uncertain significance (1 of 4 stars; one submission).

gnomAD v4.1: 1 of 1,613,694 alleles (0.000062%); highest among the groups gnomAD compares: Non-Finnish European, 0.000085%; no homozygotes.

Submission:

Dasa
Classification: Uncertain significance. Last evaluated: 2026-07-11. Review status: criteria provided, single submitter. Criteria: DASA Assertion Criteria. Collection method: clinical testing. Allele origin: germline.
Comment: NM_020987.5(ANK3):c.11441C>A (p.Pro3814His) is a missense variant that results in the substitution of proline with histidine. This variant is rare in population databases. Computational prediction algorithms are consistent with a benign effect. The currently available literature and clinical evidence are not sufficient to establish a definitive association between this variant and the reported condition. Therefore, this variant is classified as a variant of uncertain significance.